The following is an entry in ClinVar:

ClinVar aggregate classification (germline): Uncertain significance. Review status: criteria provided, multiple submitters, no conflicts (2 of 4 stars). 2 submissions from 2 submitters: Uncertain significance (2). Last evaluated 2023-09-21.

Conditions:
Inborn genetic diseases. Identifiers: MedGen C0950123, MeSH D030342.

gnomAD v4.1: 1 of 1,162,961 alleles (0.000086%); highest among the groups gnomAD compares: Non-Finnish European, 0.00011%; no homozygotes.

Submissions (2):

Ambry Genetics
Classification: Uncertain significance for Inborn genetic diseases. Last evaluated: 2023-09-21. Review status: criteria provided, single submitter. Criteria: Ambry Variant Classification Scheme 2023. Collection method: clinical testing. Allele origin: germline.

GeneDx
Classification: Uncertain significance. Last evaluated: 2019-09-06. Review status: criteria provided, single submitter. Criteria: GeneDx Variant Classification Process June 2021. Collection method: clinical testing. Allele origin: germline. Affected: yes.
Comment: Not observed in large population cohorts (Lek et al., 2016); In silico analysis, which includes protein predictors and evolutionary conservation, supports that this variant does not alter protein structure/function; Has not been previously published as pathogenic or benign to our knowledge

NM_001830.4(CLCN4):c.1969G>T (p.Ala657Ser)

Gene: CLCN4 (chloride voltage-gated channel 4; plus strand). Cytogenetic location: Xp22.2.
Variant type: single nucleotide variant.
Coding change: c.1969G>T on transcript NM_001830.4 (MANE Select); coding-DNA position 1969, G replaced by T.
Protein change: p.Ala657Ser; replaces alanine 657 with serine.
Molecular consequence: missense variant.
Genome position (GRCh38, 1-based): chrX:10,214,073, G>T. VCF-style: chrX-10214073-G-T. GRCh37 (hg19) VCF-style: chrX-10182113-G-T.
Other names: c.1687G>T, p.Ala563Ser (NM_001256944.2); short protein forms A563S, A657S.
Identifiers: ClinVar variation 1191333 (VCV001191333.3), dbSNP rs776720563, ClinGen allele CA412043284.
Genomic context (GRCh38, chrX:10,214,073, plus strand): 5'-GTGGTCTCCAGAGACTCCGAGCGCCTCATTGGATTTGCCCAGAGGAGGGAACTGATTCTC[G>T]CAATAAGTGAGTAAAGAGAGGGAAGCTCACATTTTACCAAGAGCCGAATGGCATCCTTTG-3'
Protein context (NP_001821.2, residues 647-667): GFAQRRELIL[Ala657Ser]IKNARQRQEG